The following is an entry in ClinVar:

NM_005235.3(ERBB4):c.2887A>C (p.Ser963Arg)

Gene: ERBB4 (erb-b2 receptor tyrosine kinase 4; minus strand). Cytogenetic location: 2q34.
Variant type: single nucleotide variant.
Coding change: c.2887A>C on transcript NM_005235.3 (MANE Select); coding-DNA position 2887, A replaced by C.
Protein change: p.Ser963Arg; replaces serine 963 with arginine.
Molecular consequence: missense variant.
Genome position (GRCh38, 1-based): chr2:211,422,084, T>G on the plus strand (A>C on the coding strand, the complement: ERBB4 is on the minus strand). VCF-style: chr2-211422084-T-G. GRCh37 (hg19) VCF-style: chr2-212286809-T-G.
Other names: c.2887A>C, p.Ser963Arg (NM_001042599.2); c.2857A>C, p.Ser953Arg (NM_001439005.1, NM_001439006.1); short protein forms S963R, S953R.
Identifiers: ClinVar variation 4743766 (VCV004743766.1).

ClinVar aggregate classification (germline): Uncertain significance (1 of 4 stars; one submission).

Submission:

Labcorp Genetics (formerly Invitae), Labcorp
Classification: Uncertain significance. Last evaluated: 2025-09-20. Review status: criteria provided, single submitter. Criteria: Invitae Variant Classification Sherloc (09022015). Collection method: clinical testing. Allele origin: germline.
Comment: This sequence change replaces serine, which is neutral and polar, with arginine, which is basic and polar, at codon 963 of the ERBB4 protein (p.Ser963Arg). This variant is not present in population databases (gnomAD no frequency). This variant has not been reported in the literature in individuals affected with ERBB4-related conditions. Invitae Evidence Modeling of protein sequence and biophysical properties (such as structural, functional, and spatial information, amino acid conservation, physicochemical variation, residue mobility, and thermodynamic stability) indicates that this missense variant is not expected to disrupt ERBB4 protein function with a negative predictive value of 80%. In summary, the available evidence is currently insufficient to determine the role of this variant in disease. Therefore, it has been classified as a Variant of Uncertain Significance.